The following is an entry in ClinVar:

NM_000719.7(CACNA1C):c.3700A>G (p.Ile1234Val)

Gene: CACNA1C (calcium voltage-gated channel subunit alpha1 C; plus strand). Cytogenetic location: 12p13.33.
Variant type: single nucleotide variant.
Coding change: c.3700A>G on transcript NM_000719.7 (MANE Select); coding-DNA position 3700, A replaced by G.
Protein change: p.Ile1234Val; replaces isoleucine 1234 with valine.
Molecular consequence: missense variant.
Genome position (GRCh38, 1-based): chr12:2,610,682, A>G. VCF-style: chr12-2610682-A-G. GRCh37 (hg19) VCF-style: chr12-2719848-A-G.
Other names: c.3760A>G, p.Ile1254Val (NM_001129827.2, NM_001129832.2, NM_199460.4); c.3700A>G, p.Ile1234Val (NM_001129829.2, NM_001129830.3, NM_001129831.2 and 15 more transcripts); c.3691A>G, p.Ile1231Val (NM_001129844.2); short protein forms I1254V, I1231V, I1234V.
Identifiers: ClinVar variation 3673208 (VCV003673208.2).
Genomic context (GRCh38, chr12:2,610,682, plus strand): 5'-TACGTGGTCAACTCCACCTACTTCGAGTACCTGATGTTCGTCCTCATCCTGCTCAACACC[A>G]TCTGCCTGGCCATGCAGGTCAGTCCCAGGAGGAGCACAGCCATGGTGCTGCAGAAGGGAG-3'
Protein context (NP_000710.5, residues 1224-1244): LMFVLILLNT[Ile1234Val]CLAMQHYGQS

ClinVar aggregate classification (germline): Uncertain significance (1 of 4 stars; one submission).

Conditions:
Long QT syndrome (LQTS). Identifiers: MedGen C0023976, MeSH D008133, MONDO:0002442. Disease mechanism: loss of function. Inheritance: Various modes of inheritance.

gnomAD v4.1: 1 of 1,614,136 alleles (0.000062%); highest among the groups gnomAD compares: South Asian, 0.0011%; no homozygotes.

Submission:

Labcorp Genetics (formerly Invitae), Labcorp
Classification: Uncertain significance for Long QT syndrome. Last evaluated: 2025-01-12. Review status: criteria provided, single submitter. Criteria: Invitae Variant Classification Sherloc (09022015). Collection method: clinical testing. Allele origin: germline.
Comment: This sequence change replaces isoleucine, which is neutral and non-polar, with valine, which is neutral and non-polar, at codon 1234 of the CACNA1C protein (p.Ile1234Val). This variant is present in population databases (rs752224738, gnomAD 0.003%). This variant has not been reported in the literature in individuals affected with CACNA1C-related conditions. Invitae Evidence Modeling of protein sequence and biophysical properties (such as structural, functional, and spatial information, amino acid conservation, physicochemical variation, residue mobility, and thermodynamic stability) indicates that this missense variant is not expected to disrupt CACNA1C protein function with a negative predictive value of 95%. In summary, the available evidence is currently insufficient to determine the role of this variant in disease. Therefore, it has been classified as a Variant of Uncertain Significance.